The following is an entry in ClinVar:

ClinVar aggregate classification (germline): Uncertain significance (1 of 4 stars; one submission).

Conditions:
Camptomelic dysplasia (CMPD). Also called: CMPD1/SRA1; Campomelic Dysplasia. Identifiers: Orphanet 140, MedGen C1861922, MONDO:0007251, OMIM 114290.

Allele frequency attached by ClinVar (database versions not stated): gnomAD exomes below 0.00001; gnomAD 0.00001.
gnomAD v4.1: 2 of 1,613,456 alleles (0.00012%); highest among the groups gnomAD compares: East Asian, 0.0022%; no homozygotes.

Submission:

Labcorp Genetics (formerly Invitae), Labcorp
Classification: Uncertain significance for Camptomelic dysplasia. Last evaluated: 2022-05-14. Review status: criteria provided, single submitter. Criteria: Invitae Variant Classification Sherloc (09022015). Collection method: clinical testing. Allele origin: germline.
Comment: This variant is not present in population databases (gnomAD no frequency). This variant has not been reported in the literature in individuals affected with SOX9-related conditions. Advanced modeling of protein sequence and biophysical properties (such as structural, functional, and spatial information, amino acid conservation, physicochemical variation, residue mobility, and thermodynamic stability) performed at Invitae indicates that this missense variant is expected to disrupt SOX9 protein function. In summary, the available evidence is currently insufficient to determine the role of this variant in disease. Therefore, it has been classified as a Variant of Uncertain Significance. This sequence change replaces glutamic acid, which is acidic and polar, with alanine, which is neutral and non-polar, at codon 261 of the SOX9 protein (p.Glu261Ala).

NM_000346.4(SOX9):c.782A>C (p.Glu261Ala)

Gene: SOX9 (SRY-box transcription factor 9; plus strand). Cytogenetic location: 17q24.3.
Variant type: single nucleotide variant.
Coding change: c.782A>C on transcript NM_000346.4 (MANE Select); coding-DNA position 782, A replaced by C.
Protein change: p.Glu261Ala; replaces glutamic acid 261 with alanine.
Molecular consequence: missense variant.
Genome position (GRCh38, 1-based): chr17:72,123,639, A>C. VCF-style: chr17-72123639-A-C. GRCh37 (hg19) VCF-style: chr17-70119780-A-C.
Other names: short protein forms E261A.
Identifiers: ClinVar variation 2178023 (VCV002178023.4), dbSNP rs1908179907, ClinGen allele CA400867032.